The following is an entry in ClinVar:

NM_001134407.3(GRIN2A):c.*5672C>T

Gene: GRIN2A (glutamate ionotropic receptor NMDA type subunit 2A; minus strand). Cytogenetic location: 16p13.2.
Variant type: single nucleotide variant.
Coding change: c.*5672C>T on transcript NM_001134407.3 (MANE Select); 5672 bases downstream of the stop codon, C replaced by T.
Molecular consequence: 3 prime UTR variant.
Genome position (GRCh38, 1-based): chr16:9,757,477, G>A on the plus strand (C>T on the coding strand, the complement: GRIN2A is on the minus strand). VCF-style: chr16-9757477-G-A. GRCh37 (hg19) VCF-style: chr16-9851334-G-A.
Other names: c.*5672C>T (NM_000833.5); c.*5878C>T (NM_001134408.2).
Identifiers: ClinVar variation 888255 (VCV000888255.4), dbSNP rs9922811, ClinGen allele CA277530298.

ClinVar aggregate classification (germline): Benign (1 of 4 stars; one submission).

Conditions:
Landau-Kleffner syndrome (FESD). Also called: APHASIA, ACQUIRED, WITH EPILEPSY; EPILEPSY, FOCAL, WITH SPEECH DISORDER AND WITH OR WITHOUT MENTAL RETARDATION. Identifiers: Orphanet 1945, Orphanet 725, Orphanet 98818, MedGen C0282512, MONDO:0009509, OMIM 245570.

Allele frequency attached by ClinVar (database versions not stated): gnomAD 0.00314 and 0.00296; 1000 Genomes Project 30x 0.00250; 1000 Genomes Project 0.00280; TOPMed 0.00342; gnomAD exomes 0.00062.
gnomAD v4.1: 490 of 229,372 alleles (0.21%); highest among the groups gnomAD compares: African/African-American, 1%; 2 homozygotes.

Submission:

Illumina Laboratory Services, Illumina
Classification: Benign for Landau-Kleffner syndrome. Last evaluated: 2018-01-13. Review status: criteria provided, single submitter. Criteria: ICSL Variant Classification Criteria 13 December 2019. Collection method: clinical testing. Allele origin: germline.
Comment: This variant was observed in the ICSL laboratory as part of a predisposition screen in an ostensibly healthy population. It had not been previously curated by ICSL or reported in the Human Gene Mutation Database (HGMD: prior to June 1st, 2018), and was therefore a candidate for classification through an automated scoring system. Utilizing variant allele frequency, disease prevalence and penetrance estimates, and inheritance mode, an automated score was calculated to assess if this variant is too frequent to cause the disease. Based on the score and internal cut-off values, a variant classified as benign is not then subjected to further curation. The score for this variant resulted in a classification of benign for this disease.